The following is an entry in ClinVar:

NM_013266.4(CTNNA3):c.844-2A>G

Gene: CTNNA3 (catenin alpha 3; minus strand). Cytogenetic location: 10q21.3.
Variant type: single nucleotide variant.
Coding change: c.844-2A>G on transcript NM_013266.4 (MANE Select); the canonical splice acceptor site of the intron before coding-DNA position 844, A replaced by G.
Molecular consequence: splice acceptor variant.
Genome position (GRCh38, 1-based): chr10:67,180,522, T>C on the plus strand (A>G on the coding strand, the complement: CTNNA3 is on the minus strand). VCF-style: chr10-67180522-T-C. GRCh37 (hg19) VCF-style: chr10-68940280-T-C.
Other names: c.844-2A>G (NM_001127384.3); c.880-2A>G (NM_001291133.2).
Identifiers: ClinVar variation 960981 (VCV000960981.8), dbSNP rs766109504, ClinGen allele CA377097127.
Genomic context (GRCh38, chr10:67,180,522, plus strand): 5'-TCTAGTGATGGTCGTATTTCCTCCTCAGTTACTGTGAGTGGATTCAGGACAATTAAATTC[T>C]AAGAGAAGAACACATTTGTATGGTTAGAGCTCCATGGCATTTCACTTTTATGAAAAACAA-3'

ClinVar aggregate classification (germline): Uncertain significance (1 of 4 stars; one submission).

Conditions:
Arrhythmogenic right ventricular dysplasia 13. Also called: Arrhythmogenic right ventricular dysplasia, familial, 13; ARRHYTHMOGENIC RIGHT VENTRICULAR CARDIOMYOPATHY 13. Identifiers: MedGen C3810138, MONDO:0000908, OMIM 615616.

Submission:

Labcorp Genetics (formerly Invitae), Labcorp
Classification: Uncertain significance for Arrhythmogenic right ventricular dysplasia 13. Last evaluated: 2019-11-12. Review status: criteria provided, single submitter. Criteria: Invitae Variant Classification Sherloc (09022015). Collection method: clinical testing. Allele origin: germline.
Comment: In summary, the available evidence is currently insufficient to determine the role of this variant in disease. Therefore, it has been classified as a Variant of Uncertain Significance. The current clinical and genetic evidence is not sufficient to establish whether loss-of-function variants in CTNNA3 cause disease. Algorithms developed to predict the effect of sequence changes on RNA splicing suggest that this variant may disrupt the consensus splice site, but this prediction has not been confirmed by published transcriptional studies. This variant has not been reported in the literature in individuals with CTNNA3-related conditions. This variant is not present in population databases (ExAC no frequency). This sequence change affects an acceptor splice site in intron 6 of the CTNNA3 gene. It is expected to disrupt RNA splicing and likely results in an absent or disrupted protein product.